The following is an entry in ClinVar:

NM_181486.4(TBX5):c.363-4C>A

Gene: TBX5 (T-box transcription factor 5; minus strand). Cytogenetic location: 12q24.21.
Variant type: single nucleotide variant.
Coding change: c.363-4C>A on transcript NM_181486.4 (MANE Select); 4 bases into the intron before coding-DNA position 363, C replaced by A.
Molecular consequence: intron variant.
Genome position (GRCh38, 1-based): chr12:114,398,724, G>T on the plus strand (C>A on the coding strand, the complement: TBX5 is on the minus strand). VCF-style: chr12-114398724-G-T. GRCh37 (hg19) VCF-style: chr12-114836529-G-T.
Other names: c.213-4C>A (NM_080717.4); c.363-4C>A (NM_000192.3).
Identifiers: ClinVar variation 1733435 (VCV001733435.2), dbSNP rs1871592399, ClinGen allele CA2064649922.

ClinVar aggregate classification (germline): Uncertain significance (1 of 4 stars; one submission).

Conditions:
Cardiovascular phenotype. Identifiers: MedGen CN230736.

Allele frequency attached by ClinVar (database versions not stated): TOPMed below 0.00001.

Submission:

Ambry Genetics
Classification: Uncertain significance for Cardiovascular phenotype. Last evaluated: 2021-10-19. Review status: criteria provided, single submitter. Criteria: Ambry Variant Classification Scheme 2023. Collection method: clinical testing. Allele origin: germline.
Comment: The c.363-4C>A intronic variant results from a C to A substitution 4 nucleotides upstream from coding exon 4 in the TBX5 gene. This nucleotide position is not well conserved in available vertebrate species. In silico splice site analysis predicts that this alteration will not have any significant effect on splicing. Since supporting evidence is limited at this time, the clinical significance of this alteration remains unclear.